The following is an entry in ClinVar:

NM_023936.2(MRPS34):c.164G>T (p.Trp55Leu)

Genes: EME2 (essential meiotic structure-specific endonuclease subunit 2; plus strand), MRPS34 (mitochondrial ribosomal protein S34; minus strand). Cytogenetic location: 16p13.3.
Variant type: single nucleotide variant.
Coding change: c.164G>T on transcript NM_023936.2 (MANE Select); coding-DNA position 164, G replaced by T.
Protein change: p.Trp55Leu; replaces tryptophan 55 with leucine.
Molecular consequence: missense variant. On other transcripts: 5 prime UTR variant (1).
Genome position (GRCh38, 1-based): chr16:1,772,956, C>A on the plus strand (G>T on the coding strand, the complement: MRPS34 is on the minus strand). VCF-style: chr16-1772956-C-A. GRCh37 (hg19) VCF-style: chr16-1822957-C-A.
Other names: c.-272C>A (NM_001257370.2); c.164G>T, p.Trp55Leu (NM_001300900.2); short protein forms W55L.
Identifiers: ClinVar variation 1716896 (VCV001716896.5), dbSNP rs1018543927, ClinGen allele CA394244213.

ClinVar aggregate classification (germline): Uncertain significance (1 of 4 stars; one submission).

gnomAD v4.1: 1 of 1,449,756 alleles (0.000069%); highest among the groups gnomAD compares: Non-Finnish European, 0.00009%; no homozygotes.

Submission:

Labcorp Genetics (formerly Invitae), Labcorp
Classification: Uncertain significance. Last evaluated: 2023-08-10. Review status: criteria provided, single submitter. Criteria: Invitae Variant Classification Sherloc (09022015). Collection method: clinical testing. Allele origin: germline.
Comment: ClinVar contains an entry for this variant (Variation ID: 1716896). This variant has not been reported in the literature in individuals affected with MRPS34-related conditions. This variant is not present in population databases (gnomAD no frequency). This sequence change replaces tryptophan, which is neutral and slightly polar, with leucine, which is neutral and non-polar, at codon 55 of the MRPS34 protein (p.Trp55Leu). An algorithm developed to predict the effect of missense changes on protein structure and function (PolyPhen-2) suggests that this variant is likely to be disruptive. In summary, the available evidence is currently insufficient to determine the role of this variant in disease. Therefore, it has been classified as a Variant of Uncertain Significance.